The following is an entry in ClinVar:

NM_000158.4(GBE1):c.234_235insAGCACGACGAT (p.His79fs)

Gene: GBE1 (1,4-alpha-glucan branching enzyme 1; minus strand). Cytogenetic location: 3p12.2.
Variant type: Insertion.
Coding change: c.234_235insAGCACGACGAT on transcript NM_000158.4 (MANE Select); coding-DNA positions 234 to 235, AGCACGACGAT inserted.
Protein change: p.His79fs; shifts the reading frame from histidine 79.
Molecular consequence: frameshift variant.
Genome position: GRCh38 VCF-style: chr3-81705522-G-GATCGTCGTGCT. GRCh37 (hg19) VCF-style: chr3-81754673-G-GATCGTCGTGCT.
Other names: short protein forms H79fs.
Identifiers: ClinVar variation 5011121 (VCV005011121.1).

ClinVar aggregate classification (germline): Pathogenic (1 of 4 stars; one submission).

Conditions:
Glycogen storage disease, type IV (GSD4). Also called: AMYLOPECTINOSIS; ANDERSEN DISEASE; BRANCHER DEFICIENCY; CIRRHOSIS, FAMILIAL, WITH DEPOSITION OF ABNORMAL GLYCOGEN; GBE1 DEFICIENCY; GLYCOGEN BRANCHING ENZYME DEFICIENCY. Identifiers: Orphanet 367, MedGen C0017923, MONDO:0009292, OMIM 232500.

Submission:

Myriad Genetics, Inc.
Classification: Pathogenic for Glycogen storage disease, type IV. Last evaluated: 2024-05-14. Review status: criteria provided, single submitter. Criteria: Myriad Autosomal Dominant, Autosomal Recessive and X-Linked Classification Criteria (2023). Collection method: clinical testing. Allele origin: unknown.
Comment: NM_000158.3(GBE1):c.234_235ins11(H79Sfs*68) is expected to be pathogenic in the context of glycogen storage disease, GBE1-related. This variant is predicted to lead to an abnormal or absent protein product due to the creation of a premature termination codon in GBE1, a gene where loss-of-function variants are known to be pathogenic. Please note: this variant was assessed in the context of healthy population screening.